The following is an entry in ClinVar:

NM_176787.5(PIGN):c.473G>T (p.Ser158Ile)

Gene: PIGN (phosphatidylinositol glycan anchor biosynthesis class N; minus strand). Cytogenetic location: 18q21.33.
Variant type: single nucleotide variant.
Coding change: c.473G>T on transcript NM_176787.5 (MANE Select); coding-DNA position 473, G replaced by T.
Protein change: p.Ser158Ile; replaces serine 158 with isoleucine.
Molecular consequence: missense variant.
Genome position (GRCh38, 1-based): chr18:62,154,621, C>A on the plus strand (G>T on the coding strand, the complement: PIGN is on the minus strand). VCF-style: chr18-62154621-C-A. GRCh37 (hg19) VCF-style: chr18-59821854-C-A.
Other names: c.473G>T, p.Ser158Ile (NM_012327.6); short protein forms S158I.
Identifiers: ClinVar variation 639048 (VCV000639048.7), dbSNP rs767550839, ClinGen allele CA402602873.
Genomic context (GRCh38, chr18:62,154,621, plus strand): 5'-ACCCACGTATCCAGTTTTGTTGCATCTTGAGCACCAAAATCCTCTCTTTTAGCATCATAA[C>A]TATATGTATAAACGTGGTCTCCACTAGCACCTGAAAAGAAAATTTGGAAAAAATAATCTT-3'
Protein context (NP_789744.1, residues 148-168): GASGDHVYTY[Ser158Ile]YDAKREDFGA

ClinVar aggregate classification (germline): Uncertain significance. Review status: criteria provided, multiple submitters, no conflicts (2 of 4 stars). 2 submissions from 2 submitters: Uncertain significance (2). Last evaluated 2022-04-26.

Conditions:
Multiple congenital anomalies-hypotonia-seizures syndrome 1 (MCAHS1). Also called: PIGN-CDG; Congenital disorder of glycosylation due to PIGN deficiency; GLYCOSYLPHOSPHATIDYLINOSITOL BIOSYNTHESIS DEFECT 3. Identifiers: Orphanet 280633, MedGen C3279775, MONDO:0013563, OMIM 614080.

Allele frequency attached by ClinVar (database versions not stated): TOPMed 0.00001; gnomAD 0.00001.
gnomAD v4.1: 2 of 1,574,610 alleles (0.00013%); highest among the groups gnomAD compares: Admixed American, 0.0033%; no homozygotes.

Submissions (2):

Labcorp Genetics (formerly Invitae), Labcorp
Classification: Uncertain significance for Multiple congenital anomalies-hypotonia-seizures syndrome 1. Last evaluated: 2022-04-26. Review status: criteria provided, single submitter. Criteria: Invitae Variant Classification Sherloc (09022015). Collection method: clinical testing. Allele origin: germline.
Comment: This sequence change replaces serine, which is neutral and polar, with isoleucine, which is neutral and non-polar, at codon 158 of the PIGN protein (p.Ser158Ile). This variant is present in population databases (no rsID available, gnomAD 0.006%). This variant has not been reported in the literature in individuals affected with PIGN-related conditions. ClinVar contains an entry for this variant (Variation ID: 639048). Algorithms developed to predict the effect of missense changes on protein structure and function (SIFT, PolyPhen-2, Align-GVGD) all suggest that this variant is likely to be tolerated. In summary, the available evidence is currently insufficient to determine the role of this variant in disease. Therefore, it has been classified as a Variant of Uncertain Significance.

Baylor Genetics
Classification: Uncertain significance for Multiple congenital anomalies-hypotonia-seizures syndrome 1. Last evaluated: 2018-10-01. Review status: criteria provided, single submitter. Criteria: ACMG Guidelines, 2015. Collection method: clinical testing. Allele origin: unknown. Affected: yes.
Comment: This variant was determined to be of uncertain significance according to ACMG Guidelines, 2015 [PMID:25741868].